The following is an entry in ClinVar:

NM_015346.4(ZFYVE26):c.397G>A (p.Gly133Ser)

Gene: ZFYVE26 (zinc finger FYVE-type containing 26; minus strand). Cytogenetic location: 14q24.1.
Variant type: single nucleotide variant.
Coding change: c.397G>A on transcript NM_015346.4 (MANE Select); coding-DNA position 397, G replaced by A.
Protein change: p.Gly133Ser; replaces glycine 133 with serine.
Molecular consequence: missense variant.
Genome position (GRCh38, 1-based): chr14:67,807,887, C>T on the plus strand (G>A on the coding strand, the complement: ZFYVE26 is on the minus strand). VCF-style: chr14-67807887-C-T. GRCh37 (hg19) VCF-style: chr14-68274604-C-T.
Other names: p.Gly133Ser; short protein forms G133S.
Identifiers: ClinVar variation 313928 (VCV000313928.15), dbSNP rs199505106, ClinGen allele CA7240794.

ClinVar aggregate classification (germline): Conflicting classifications of pathogenicity. Review status: criteria provided, conflicting classifications (1 of 4 stars). 8 submissions from 8 submitters: Uncertain significance (7); Likely benign (1). Last evaluated 2026-09-01.

Conditions:
Spastic paraplegia. Identifiers: MedGen C0037772, HP:0001258.
Hereditary spastic paraplegia 15 (SPG15). Also called: SPASTIC PARAPLEGIA 15, AUTOSOMAL RECESSIVE; KJELLIN SYNDROME; SPASTIC PARAPLEGIA AND RETINAL DEGENERATION. Identifiers: Orphanet 100996, MedGen C1849128, MONDO:0010044, OMIM 270700.

Allele frequency attached by ClinVar (database versions not stated): TOPMed 0.00002; gnomAD 0.00003; gnomAD exomes 0.00003; ExAC 0.00005.

Submissions (8):

CeGaT Center for Human Genetics Tuebingen
Classification: Uncertain significance. Last evaluated: 2026-09-01. Review status: criteria provided, single submitter. Criteria: CeGaT Center For Human Genetics Tuebingen Variant Classification Criteria Version 2. Collection method: clinical testing. Allele origin: germline. Affected: yes. Observed: 1 variant allele.
Comment: ZFYVE26: PM2, BP4

Mayo Clinic Laboratories, Mayo Clinic
Classification: Uncertain significance. Last evaluated: 2025-07-09. Review status: criteria provided, single submitter. Criteria: ACMG Guidelines, 2015. Collection method: clinical testing. Allele origin: germline. Observed: 2 variant alleles.
Comment: BP4_moderate

Blueprint Genetics
Classification: Likely benign. Last evaluated: 2024-11-18. Review status: criteria provided, single submitter. Criteria: ACMG Guidelines, 2015. Collection method: clinical testing. Allele origin: germline.

Labcorp Genetics (formerly Invitae), Labcorp
Classification: Uncertain significance for Spastic paraplegia. Last evaluated: 2022-08-23. Review status: criteria provided, single submitter. Criteria: Invitae Variant Classification Sherloc (09022015). Collection method: clinical testing. Allele origin: germline.
Comment: This sequence change replaces glycine, which is neutral and non-polar, with serine, which is neutral and polar, at codon 133 of the ZFYVE26 protein (p.Gly133Ser). This variant is present in population databases (rs199505106, gnomAD 0.006%). This variant has not been reported in the literature in individuals affected with ZFYVE26-related conditions. ClinVar contains an entry for this variant (Variation ID: 313928). Algorithms developed to predict the effect of missense changes on protein structure and function output the following: SIFT: "Tolerated"; PolyPhen-2: "Benign"; Align-GVGD: "Class C0". The serine amino acid residue is found in multiple mammalian species, which suggests that this missense change does not adversely affect protein function. Algorithms developed to predict the effect of sequence changes on RNA splicing suggest that this variant may create or strengthen a splice site. In summary, the available evidence is currently insufficient to determine the role of this variant in disease. Therefore, it has been classified as a Variant of Uncertain Significance.

GeneDx
Classification: Uncertain significance. Last evaluated: 2022-08-08. Review status: criteria provided, single submitter. Criteria: GeneDx Variant Classification Process June 2021. Collection method: clinical testing. Allele origin: germline. Affected: yes.
Comment: Not observed at significant frequency in large population cohorts (gnomAD); In silico analysis supports that this missense variant does not alter protein structure/function; Has not been previously published as pathogenic or benign to our knowledge

Revvity Omics, Revvity
Classification: Uncertain significance for Hereditary spastic paraplegia 15. Last evaluated: 2022-04-26. Review status: criteria provided, single submitter. Criteria: ACMG Guidelines, 2015. Collection method: clinical testing. Allele origin: germline.

Baylor Genetics
Classification: Uncertain significance for Hereditary spastic paraplegia 15. Last evaluated: 2020-06-09. Review status: criteria provided, single submitter. Criteria: ACMG Guidelines, 2015. Collection method: clinical testing. Allele origin: unknown. Affected: yes.
Comment: This variant was determined to be of uncertain significance according to ACMG Guidelines, 2015 [PMID:25741868].

Illumina Laboratory Services, Illumina
Classification: Uncertain significance for Hereditary spastic paraplegia 15. Last evaluated: 2018-01-12. Review status: criteria provided, single submitter. Criteria: ICSL Variant Classification Criteria 13 December 2019. Collection method: clinical testing. Allele origin: germline.